The following is an entry in ClinVar:

NM_005762.3(TRIM28):c.51T>G (p.Ser17=)

Genes: TRIM28 (tripartite motif containing 28; plus strand), LOC130065239 (ATAC-STARR-seq lymphoblastoid silent region 11093; plus strand). Cytogenetic location: 19q13.43.
Variant type: single nucleotide variant.
Coding change: c.51T>G on transcript NM_005762.3 (MANE Select); coding-DNA position 51, T replaced by G.
Protein change: p.Ser17=; no amino-acid change (serine 17 retained).
Molecular consequence: synonymous variant.
Genome position (GRCh38, 1-based): chr19:58,544,808, T>G. VCF-style: chr19-58544808-T-G. GRCh37 (hg19) VCF-style: chr19-59056175-T-G.
Identifiers: ClinVar variation 2650593 (VCV002650593.24), dbSNP rs1203938816, ClinGen allele CA509310187.
Genomic context (GRCh38, chr19:58,544,808, plus strand): 5'-CGGCGTGTGAATGGCGGCCTCCGCGGCGGCAGCCTCGGCAGCAGCGGCCTCGGCCGCCTC[T>G]GGCAGCCCGGGCCCGGGCGAGGGCTCCGCTGGCGGCGAAAAGCGCTCCACCGCCCCTTCG-3'
Protein context (NP_005753.1, residues 7-27): AASAAAASAA[Ser17=]GSPGPGEGSA

ClinVar aggregate classification (germline): Likely benign (1 of 4 stars; one submission).

Submission:

CeGaT Center for Human Genetics Tuebingen
Classification: Likely benign. Last evaluated: 2023-10-01. Review status: criteria provided, single submitter. Criteria: CeGaT Center For Human Genetics Tuebingen Variant Classification Criteria Version 2. Collection method: clinical testing. Allele origin: germline. Affected: yes. Observed: 1 variant allele.
Comment: TRIM28: PM2:Supporting, BP4, BP7